The following is an entry in ClinVar:

NM_017721.5(CC2D1A):c.1666G>A (p.Asp556Asn)

Gene: CC2D1A (coiled-coil and C2 domain containing 1A; plus strand). Cytogenetic location: 19p13.12.
Variant type: single nucleotide variant.
Coding change: c.1666G>A on transcript NM_017721.5 (MANE Select); coding-DNA position 1666, G replaced by A.
Protein change: p.Asp556Asn; replaces aspartic acid 556 with asparagine.
Molecular consequence: missense variant.
Genome position (GRCh38, 1-based): chr19:13,923,357, G>A. VCF-style: chr19-13923357-G-A. GRCh37 (hg19) VCF-style: chr19-14034170-G-A.
Other names: short protein forms D556N.
Identifiers: ClinVar variation 1031993 (VCV001031993.1), dbSNP rs1971475798, ClinGen allele CA404389720.

ClinVar aggregate classification (germline): Uncertain significance (1 of 4 stars; one submission).

Conditions:
Intellectual developmental disorder, autosomal recessive 3. Also called: Intellectual disability, autosomal recessive 3. Identifiers: Orphanet 88616, MedGen C1838023, MONDO:0012037, OMIM 608443.

Submission:

Baylor Genetics
Classification: Uncertain significance for Intellectual developmental disorder, autosomal recessive 3. Last evaluated: 2018-01-10. Review status: criteria provided, single submitter. Criteria: ACMG Guidelines, 2015. Collection method: clinical testing. Allele origin: paternal. Affected: yes.
Comment: This variant was determined to be of uncertain significance according to ACMG Guidelines, 2015 [PMID:25741868].